The following is an entry in ClinVar:

NM_001943.5(DSG2):c.-2C>T

Genes: DSG2 (desmoglein 2; plus strand), LOC130062340 (ATAC-STARR-seq lymphoblastoid silent region 9384; plus strand). Cytogenetic location: 18q12.1.
Variant type: single nucleotide variant.
Coding change: c.-2C>T on transcript NM_001943.5 (MANE Select); 2 bases upstream of the start codon, C replaced by T.
Molecular consequence: 5 prime UTR variant.
Genome position (GRCh38, 1-based): chr18:31,498,250, C>T. VCF-style: chr18-31498250-C-T. GRCh37 (hg19) VCF-style: chr18-29078213-C-T.
Identifiers: ClinVar variation 1171237 (VCV001171237.2), dbSNP rs2144276425, ClinGen allele CA2499225117.

ClinVar aggregate classification (germline): Uncertain significance (1 of 4 stars; one submission).

Conditions:
Cardiomyopathy (CMYO). Also called: Cardiomyopathies. Identifiers: Orphanet 167848, MedGen C0878544, MONDO:0004994, HP:0001638. Inheritance: Various modes of inheritance.

gnomAD v4.1: 1 of 1,257,628 alleles (0.00008%); highest among the groups gnomAD compares: Non-Finnish European, 0.0001%; no homozygotes.

Submission:

Color Diagnostics, LLC DBA Color Health
Classification: Uncertain significance for Cardiomyopathy. Last evaluated: 2020-12-21. Review status: criteria provided, single submitter. Criteria: ACMG Guidelines, 2015. Collection method: clinical testing. Allele origin: germline.
Comment: This variant changes 1 nucleotide in the 5' untranslated region of the DSG2 gene. To our knowledge, functional studies have not been reported for this variant. This variant has not been reported in individuals affected with cardiovascular disorders in the literature. This variant has not been identified in the general population by the Genome Aggregation Database (gnomAD). The available evidence is insufficient to determine the role of this variant in disease conclusively. Therefore, this variant is classified as a Variant of Uncertain Significance.